The following is an entry in ClinVar:

ClinVar aggregate classification (germline): Uncertain significance (1 of 4 stars; one submission).

Conditions:
Congenital myotonia, autosomal dominant form (THD). Also called: THOMSEN DISEASE; Myotonia congenita autosomal dominant. Identifiers: Orphanet 614, MedGen C2936781, MONDO:0008055, OMIM 160800.
Congenital myotonia, autosomal recessive form. Also called: BECKER DISEASE; Becker Generalized Myotonia; myotonia congenita, autosomal recessive. Identifiers: Orphanet 614, MedGen C0751360, MONDO:0009715, OMIM 255700.

Submission:

Labcorp Genetics (formerly Invitae), Labcorp
Classification: Uncertain significance for Congenital myotonia, autosomal recessive form; Congenital myotonia, autosomal dominant form. Last evaluated: 2024-02-29. Review status: criteria provided, single submitter. Criteria: Invitae Variant Classification Sherloc (09022015). Collection method: clinical testing. Allele origin: germline.
Comment: This sequence change falls in intron 17 of the CLCN1 gene. It does not directly change the encoded amino acid sequence of the CLCN1 protein. This variant is not present in population databases (gnomAD no frequency). This variant has not been reported in the literature in individuals affected with CLCN1-related conditions. Algorithms developed to predict the effect of sequence changes on RNA splicing suggest that this variant may disrupt the consensus splice site. In summary, the available evidence is currently insufficient to determine the role of this variant in disease. Therefore, it has been classified as a Variant of Uncertain Significance.

NM_000083.3(CLCN1):c.2173-5T>G

Gene: CLCN1 (chloride voltage-gated channel 1; plus strand). Cytogenetic location: 7q34.
Variant type: single nucleotide variant.
Coding change: c.2173-5T>G on transcript NM_000083.3 (MANE Select); 5 bases into the intron before coding-DNA position 2173, T replaced by G.
Molecular consequence: intron variant.
Genome position (GRCh38, 1-based): chr7:143,346,135, T>G. VCF-style: chr7-143346135-T-G. GRCh37 (hg19) VCF-style: chr7-143043228-T-G.
Identifiers: ClinVar variation 2932641 (VCV002932641.3), dbSNP rs2485436534, ClinGen allele CA2740094931.